The following is an entry in ClinVar:

ClinVar aggregate classification (germline): Uncertain significance. Review status: criteria provided, multiple submitters, no conflicts (2 of 4 stars). 5 submissions from 3 submitters: Uncertain significance (5). Last evaluated 2025-05-21.

Conditions:
Congenital multicore myopathy with external ophthalmoplegia (CMYO1B). Also called: Congenital myopathy 1B, autosomal recessive; Minicore myopathy; MULTIMINICORE DISEASE WITH EXTERNAL OPHTHALMOPLEGIA; Minicore myopathy with external ophthalmoplegia; MULTICORE MYOPATHY. Identifiers: Orphanet 598, Orphanet 98905, MedGen C1850674, MONDO:0009712, OMIM 255320, HP:0003789.
Central core myopathy (CMYO1A). Also called: CONGENITAL MYOPATHY 1A, AUTOSOMAL DOMINANT, WITH SUSCEPTIBILITY TO MALIGNANT HYPERTHERMIA; Central core disease; Myopathy, central fibrillar. Identifiers: Orphanet 597, MedGen C5830701, MONDO:0007294, OMIM 117000.
Malignant hyperthermia, susceptibility to, 1 (MHS1). Also called: Malignant hyperthermia suceptibility 1; Anesthesia related hyperthermia; Malignant hyperpyrexia; Fulminating hyperpyrexia; Pharmacogenic myopathy; RYR1-Related Malignant Hyperthermia Susceptibility. Identifiers: Orphanet 423, MedGen C2930980, MONDO:0007783, OMIM 145600.
RYR1-related disorder. Also called: RYR1-related condition; RYR1-related disorders. Identifiers: MedGen CN239331.

Allele frequency attached by ClinVar (database versions not stated): gnomAD exomes below 0.00001; gnomAD 0.00001.
gnomAD v4.1: 46 of 1,613,848 alleles (0.0029%); highest among the groups gnomAD compares: East Asian, 0.1%; 1 homozygote.

Submissions (5):

PreventionGenetics, part of Exact Sciences
Classification: Uncertain significance for RYR1-related condition. Last evaluated: 2025-05-21. Review status: criteria provided, single submitter. Criteria: ACMG Guidelines, 2015. Collection method: clinical testing. Allele origin: germline.
Comment: The RYR1 c.3820C>G variant is predicted to result in the amino acid substitution p.Arg1274Gly. To our knowledge, this variant has not been reported in the literature. This variant is reported in 0.0055% of alleles in individuals of East Asian descent in gnomAD. At this time, the clinical significance of this variant is uncertain due to the absence of conclusive functional and genetic evidence.

Labcorp Genetics (formerly Invitae), Labcorp
Classification: Uncertain significance for RYR1-related disorder. Last evaluated: 2025-01-29. Review status: criteria provided, single submitter. Criteria: Invitae Variant Classification Sherloc (09022015). Collection method: clinical testing. Allele origin: germline.
Comment: This sequence change replaces arginine, which is basic and polar, with glycine, which is neutral and non-polar, at codon 1274 of the RYR1 protein (p.Arg1274Gly). This variant is present in population databases (no rsID available, gnomAD 0.006%). This variant has not been reported in the literature in individuals affected with RYR1-related conditions. ClinVar contains an entry for this variant (Variation ID: 891066). Invitae Evidence Modeling of protein sequence and biophysical properties (such as structural, functional, and spatial information, amino acid conservation, physicochemical variation, residue mobility, and thermodynamic stability) indicates that this missense variant is not expected to disrupt RYR1 protein function with a negative predictive value of 80%. In summary, the available evidence is currently insufficient to determine the role of this variant in disease. Therefore, it has been classified as a Variant of Uncertain Significance.

Illumina Laboratory Services, Illumina
Classification: Uncertain significance for Central core myopathy. Last evaluated: 2018-01-15. Review status: criteria provided, single submitter. Criteria: ICSL Variant Classification Criteria 13 December 2019. Collection method: clinical testing. Allele origin: germline.

Illumina Laboratory Services, Illumina
Classification: Uncertain significance for Malignant hyperthermia, susceptibility to, 1. Last evaluated: 2018-01-15. Review status: criteria provided, single submitter. Criteria: ICSL Variant Classification Criteria 13 December 2019. Collection method: clinical testing. Allele origin: germline.

Illumina Laboratory Services, Illumina
Classification: Uncertain significance for Congenital multicore myopathy with external ophthalmoplegia. Last evaluated: 2018-01-15. Review status: criteria provided, single submitter. Criteria: ICSL Variant Classification Criteria 13 December 2019. Collection method: clinical testing. Allele origin: germline.

NM_000540.3(RYR1):c.3820C>G (p.Arg1274Gly)

Gene: RYR1 (ryanodine receptor 1; plus strand). Cytogenetic location: 19q13.2.
Variant type: single nucleotide variant.
Coding change: c.3820C>G on transcript NM_000540.3 (MANE Select); coding-DNA position 3820, C replaced by G.
Protein change: p.Arg1274Gly; replaces arginine 1274 with glycine.
Molecular consequence: missense variant.
Genome position (GRCh38, 1-based): chr19:38,473,431, C>G. VCF-style: chr19-38473431-C-G. GRCh37 (hg19) VCF-style: chr19-38964071-C-G.
Other names: c.3820C>G, p.Arg1274Gly (NM_001042723.2); short protein forms R1274G.
Identifiers: ClinVar variation 891066 (VCV000891066.8), dbSNP rs1425575552, ClinGen allele CA405641560.